The following is an entry in ClinVar:

NM_000040.3(APOC3):c.95T>C (p.Met32Thr)

Gene: APOC3 (apolipoprotein C3; plus strand). Cytogenetic location: 11q23.3.
Variant type: single nucleotide variant.
Coding change: c.95T>C on transcript NM_000040.3 (MANE Select); coding-DNA position 95, T replaced by C.
Protein change: p.Met32Thr; replaces methionine 32 with threonine.
Molecular consequence: missense variant.
Genome position (GRCh38, 1-based): chr11:116,830,812, T>C. VCF-style: chr11-116830812-T-C. GRCh37 (hg19) VCF-style: chr11-116701528-T-C.
Other names: short protein forms M32T.
Identifiers: ClinVar variation 3886331 (VCV003886331.1).

ClinVar aggregate classification (germline): Uncertain significance (1 of 4 stars; one submission).

Conditions:
Cardiovascular phenotype. Identifiers: MedGen CN230736.

gnomAD v4.1: 1 of 1,613,240 alleles (0.000062%); highest among the groups gnomAD compares: African/African-American, 0.0013%; no homozygotes.

Submission:

Ambry Genetics
Classification: Uncertain significance for Cardiovascular phenotype. Last evaluated: 2025-02-27. Review status: criteria provided, single submitter. Criteria: Ambry Variant Classification Scheme 2023. Collection method: clinical testing. Allele origin: germline.
Comment: The p.M32T variant (also known as c.95T>C), located in coding exon 2 of the APOC3 gene, results from a T to C substitution at nucleotide position 95. The methionine at codon 32 is replaced by threonine, an amino acid with similar properties. This amino acid position is conserved. In addition, the in silico prediction for this alteration is inconclusive. Based on the available evidence, the clinical significance of this variant remains unclear.